The following is an entry in ClinVar:

NM_001079668.3(NKX2-1):c.*179T>C

Genes: NKX2-1 (NK2 homeobox 1; minus strand), SFTA3 (surfactant associated 3; minus strand). Cytogenetic location: 14q13.3.
Variant type: single nucleotide variant.
Coding change: c.*179T>C on transcript NM_001079668.3 (MANE Select); 179 bases downstream of the stop codon, T replaced by C.
Molecular consequence: 3 prime UTR variant.
Genome position (GRCh38, 1-based): chr14:36,517,099, A>G on the plus strand (T>C on the coding strand, the complement: NKX2-1 is on the minus strand). VCF-style: chr14-36517099-A-G. GRCh37 (hg19) VCF-style: chr14-36986304-A-G.
Other names: c.*179T>C (NM_003317.4).
Identifiers: ClinVar variation 881936 (VCV000881936.4), dbSNP rs550912157, ClinGen allele CA258877694.

ClinVar aggregate classification (germline): Benign. Review status: criteria provided, single submitter (1 of 4 stars). 2 submissions from 1 submitter: Benign (2). Last evaluated 2018-01-12.

Conditions:
Brain-lung-thyroid syndrome. Also called: Choreoathetosis, Congenital Hypothyroidism, and Neonatal Respiratory Distress Syndrome (Brain-Lung-Thyroid Syndrome); Choreoathetosis, congenital hypothyroidism, and neonatal respiratory distress; CHOREOATHETOSIS AND CONGENITAL HYPOTHYROIDISM WITH PULMONARY DYSFUNCTION. Identifiers: Orphanet 209905, MedGen C1970269, MONDO:0012593, OMIM 610978.
Benign hereditary chorea (BHC). Also called: Benign Hereditary Chorea (BHC); HEREDITARY PROGRESSIVE CHOREA WITHOUT DEMENTIA. Identifiers: Orphanet 1429, MedGen C0393584, MONDO:0021011, OMIM 118700.

Allele frequency attached by ClinVar (database versions not stated): TOPMed 0.00062; gnomAD 0.00072 and 0.00077; 1000 Genomes Project 0.13359.
gnomAD v4.1: 309 of 644,916 alleles (0.048%); highest among the groups gnomAD compares: African/African-American, 0.14%; 4 homozygotes.

Submissions (2):

Illumina Laboratory Services, Illumina
Classification: Benign for Brain-lung-thyroid syndrome. Last evaluated: 2018-01-12. Review status: criteria provided, single submitter. Criteria: ICSL Variant Classification Criteria 13 December 2019. Collection method: clinical testing. Allele origin: germline.
Comment: This variant was observed in the ICSL laboratory as part of a predisposition screen in an ostensibly healthy population. It had not been previously curated by ICSL or reported in the Human Gene Mutation Database (HGMD: prior to June 1st, 2018), and was therefore a candidate for classification through an automated scoring system. Utilizing variant allele frequency, disease prevalence and penetrance estimates, and inheritance mode, an automated score was calculated to assess if this variant is too frequent to cause the disease. Based on the score and internal cut-off values, a variant classified as benign is not then subjected to further curation. The score for this variant resulted in a classification of benign for this disease.

Illumina Laboratory Services, Illumina
Classification: Benign for Benign hereditary chorea. Last evaluated: 2018-01-12. Review status: criteria provided, single submitter. Criteria: ICSL Variant Classification Criteria 13 December 2019. Collection method: clinical testing. Allele origin: germline.
Comment: the same text as in the submission from Illumina Laboratory Services, Illumina above.